The following is an entry in ClinVar:

ClinVar aggregate classification (germline): Uncertain significance (1 of 4 stars; one submission).

Allele frequency attached by ClinVar (database versions not stated): gnomAD exomes 0.00001; TOPMed 0.00001; ExAC 0.00002.
gnomAD v4.1: 15 of 1,613,354 alleles (0.00093%); highest among the groups gnomAD compares: Middle Eastern, 0.017%; no homozygotes.

Submission:

CeGaT Center for Human Genetics Tuebingen
Classification: Uncertain significance. Last evaluated: 2023-08-01. Review status: criteria provided, single submitter. Criteria: CeGaT Center For Human Genetics Tuebingen Variant Classification Criteria Version 2. Collection method: clinical testing. Allele origin: germline. Affected: yes. Observed: 1 variant allele.
Comment: ACAD9: PM2

NM_014049.5(ACAD9):c.206A>G (p.Gln69Arg)

Gene: ACAD9 (acyl-CoA dehydrogenase family member 9; plus strand). Cytogenetic location: 3q21.3.
Variant type: single nucleotide variant.
Coding change: c.206A>G on transcript NM_014049.5 (MANE Select); coding-DNA position 206, A replaced by G.
Protein change: p.Gln69Arg; replaces glutamine 69 with arginine.
Molecular consequence: missense variant. On other transcripts: intron variant (1), non-coding transcript variant (1).
Genome position (GRCh38, 1-based): chr3:128,884,708, A>G. VCF-style: chr3-128884708-A-G. GRCh37 (hg19) VCF-style: chr3-128603551-A-G.
Other names: c.-126+4867A>G (NM_001410805.1); short protein forms Q69R.
Identifiers: ClinVar variation 2654112 (VCV002654112.24), dbSNP rs752716687, ClinGen allele CA2601070.